The following is an entry in ClinVar:

ClinVar aggregate classification (germline): Uncertain significance (1 of 4 stars; one submission).

gnomAD v4.1: 1 of 1,613,948 alleles (0.000062%); highest among the groups gnomAD compares: Non-Finnish European, 0.000085%; no homozygotes.

Submission:

GeneDx
Classification: Uncertain significance. Last evaluated: 2025-06-17. Review status: criteria provided, single submitter. Criteria: GeneDx Variant Classification Process June 2021. Collection method: clinical testing. Allele origin: germline. Affected: yes.
Comment: Not observed at significant frequency in large population cohorts (gnomAD); In silico analysis supports that this missense variant has a deleterious effect on protein structure/function; Has not been previously published as pathogenic or benign to our knowledge

NM_004380.3(CREBBP):c.6569G>C (p.Arg2190Pro)

Gene: CREBBP (CREB binding lysine acetyltransferase; minus strand). Cytogenetic location: 16p13.3.
Variant type: single nucleotide variant.
Coding change: c.6569G>C on transcript NM_004380.3 (MANE Select); coding-DNA position 6569, G replaced by C.
Protein change: p.Arg2190Pro; replaces arginine 2190 with proline.
Molecular consequence: missense variant.
Genome position (GRCh38, 1-based): chr16:3,728,478, C>G on the plus strand (G>C on the coding strand, the complement: CREBBP is on the minus strand). VCF-style: chr16-3728478-C-G. GRCh37 (hg19) VCF-style: chr16-3778479-C-G.
Other names: c.6455G>C, p.Arg2152Pro (NM_001079846.1); short protein forms R2152P, R2190P.
Identifiers: ClinVar variation 4538635 (VCV004538635.1).